The following is an entry in ClinVar:

NM_001206927.2(DNAH8):c.4845+5A>G

Gene: DNAH8 (dynein axonemal heavy chain 8; plus strand). Cytogenetic location: 6p21.2.
Variant type: single nucleotide variant.
Coding change: c.4845+5A>G on transcript NM_001206927.2 (MANE Select); 5 bases into the intron after coding-DNA position 4845, A replaced by G.
Molecular consequence: intron variant.
Genome position (GRCh38, 1-based): chr6:38,842,908, A>G. VCF-style: chr6-38842908-A-G. GRCh37 (hg19) VCF-style: chr6-38810684-A-G.
Other names: c.4194+5A>G (NM_001371.4).
Identifiers: ClinVar variation 454574 (VCV000454574.9), dbSNP rs776258788, ClinGen allele CA3789214.
Genomic context (GRCh38, chr6:38,842,908, plus strand): 5'-TTTGCCTTAGAAATATCATGGAAGCACCACTCCTTAAACATAAGGATGATATTGAGGTAC[A>G]TAAGTGTATACGTTCTTATCAATGATCCATTAAAGAATGTCTGCTTTTTCTTTTCTGGGA-3'

ClinVar aggregate classification (germline): Uncertain significance (1 of 4 stars; one submission).

Conditions:
Primary ciliary dyskinesia. Also called: Ciliary dyskinesia. Identifiers: Orphanet 244, MedGen C0008780, MONDO:0016575, HP:0012265.

Allele frequency attached by ClinVar (database versions not stated): gnomAD exomes below 0.00001 and 0.00001; ExAC 0.00001; gnomAD 0.00001; TOPMed 0.00003.
gnomAD v4.1: 13 of 1,613,008 alleles (0.00081%); highest among the groups gnomAD compares: Admixed American, 0.0017%; no homozygotes.

Submission:

Labcorp Genetics (formerly Invitae), Labcorp
Classification: Uncertain significance for Primary ciliary dyskinesia. Last evaluated: 2024-12-06. Review status: criteria provided, single submitter. Criteria: Invitae Variant Classification Sherloc (09022015). Collection method: clinical testing. Allele origin: germline.
Comment: This sequence change falls in intron 35 of the DNAH8 gene. It does not directly change the encoded amino acid sequence of the DNAH8 protein. It affects a nucleotide within the consensus splice site. This variant is present in population databases (rs776258788, gnomAD 0.003%). This variant has not been reported in the literature in individuals affected with DNAH8-related conditions. ClinVar contains an entry for this variant (Variation ID: 454574). Variants that disrupt the consensus splice site are a relatively common cause of aberrant splicing (PMID: 17576681, 9536098). Algorithms developed to predict the effect of sequence changes on RNA splicing suggest that this variant is not likely to affect RNA splicing. In summary, the available evidence is currently insufficient to determine the role of this variant in disease. Therefore, it has been classified as a Variant of Uncertain Significance.

Literature cited by the submitters: PubMed 17576681; PubMed 9536098.